The following is an entry in ClinVar:

NM_001008212.2(OPTN):c.111G>A (p.Pro37=)

Genes: OPTN (optineurin; plus strand), LOC108903148 (10p13 OPTN distal Alu-mediated recombination region; plus strand). Cytogenetic location: 10p13.
Variant type: single nucleotide variant.
Coding change: c.111G>A on transcript NM_001008212.2 (MANE Select); coding-DNA position 111, G replaced by A.
Protein change: p.Pro37=; no amino-acid change (proline 37 retained).
Molecular consequence: synonymous variant.
Genome position (GRCh38, 1-based): chr10:13,109,233, G>A. VCF-style: chr10-13109233-G-A. GRCh37 (hg19) VCF-style: chr10-13151233-G-A.
Other names: c.111G>A, p.Pro37= (NM_001008211.1, NM_001008213.1, NM_021980.4).
Identifiers: ClinVar variation 3047574 (VCV003047574.2), dbSNP rs367658571, ClinGen allele CA5410514.
Genomic context (GRCh38, chr10:13,109,233, plus strand): 5'-TGAAAGCACAGGAAATGGACCCCCCCACCTGGCCCACCCAAACCTGGACACGTTTACCCC[G>A]GAGGAGCTGCTGCAGCAGATGAAAGAGCTCCTGACCGAGAACCACCAGCTGAAAGGTGAG-3'
Protein context (NP_001008213.1, residues 27-47): LAHPNLDTFT[Pro37=]EELLQQMKEL

ClinVar aggregate classification (germline): Likely benign (0 of 4 stars; one submission).

Conditions:
OPTN-related disorder. Also called: OPTN-related disorders; OPTN-related condition.

Allele frequency attached by ClinVar (database versions not stated): gnomAD 0.00001; gnomAD exomes 0.00002; ExAC 0.00005; ESP Exome Variant Server 0.00008.
gnomAD v4.1: 31 of 1,613,826 alleles (0.0019%); highest among the groups gnomAD compares: South Asian, 0.02%; 1 homozygote.

Submission:

PreventionGenetics, part of Exact Sciences
Classification: Likely benign for OPTN-related condition. Last evaluated: 2019-04-25. Review status: no assertion criteria provided. Collection method: clinical testing. Allele origin: germline.
Comment: This variant is classified as likely benign based on ACMG/AMP sequence variant interpretation guidelines (Richards et al. 2015 PMID: 25741868, with internal and published modifications).